The following is an entry in ClinVar:

NM_001903.5(CTNNA1):c.588G>C (p.Gln196His)

Gene: CTNNA1 (catenin alpha 1; plus strand). Cytogenetic location: 5q31.2.
Variant type: single nucleotide variant.
Coding change: c.588G>C on transcript NM_001903.5 (MANE Select); coding-DNA position 588, G replaced by C.
Protein change: p.Gln196His; replaces glutamine 196 with histidine.
Molecular consequence: missense variant.
Genome position (GRCh38, 1-based): chr5:138,812,302, G>C. VCF-style: chr5-138812302-G-C. GRCh37 (hg19) VCF-style: chr5-138147991-G-C.
Other names: c.588G>C, p.Gln196His (NM_001290307.3, NM_001323982.2, NM_001323983.1 and 3 more transcripts); c.279G>C, p.Gln93His (NM_001290309.3); c.219G>C, p.Gln73His (NM_001290310.3); short protein forms Q196H, Q93H, Q73H.
Identifiers: ClinVar variation 944882 (VCV000944882.9), dbSNP rs1758906474, ClinGen allele CA361125729.

ClinVar aggregate classification (germline): Uncertain significance (1 of 4 stars; one submission).

Submission:

Labcorp Genetics (formerly Invitae), Labcorp
Classification: Uncertain significance. Last evaluated: 2019-05-02. Review status: criteria provided, single submitter. Criteria: Invitae Variant Classification Sherloc (09022015). Collection method: clinical testing. Allele origin: germline.
Comment: Nucleotide substitutions within the consensus splice site are a relatively common cause of aberrant splicing (PMID: 17576681, 9536098). Algorithms developed to predict the effect of sequence changes on RNA splicing suggest that this variant may disrupt the consensus splice site, but this prediction has not been confirmed by published transcriptional studies. In summary, the available evidence is currently insufficient to determine the role of this variant in disease. Therefore, it has been classified as a Variant of Uncertain Significance. Algorithms developed to predict the effect of missense changes on protein structure and function are either unavailable or do not agree on the potential impact of this missense change (SIFT: "Deleterious"; PolyPhen-2: "Benign"; Align-GVGD: "Class C0"). This sequence change replaces glutamine with histidine at codon 196 of the CTNNA1 protein (p.Gln196His). The glutamine residue is highly conserved and there is a small physicochemical difference between glutamine and histidine. This variant also falls at the last nucleotide of exon 5 of the CTNNA1 coding sequence, which is part of the consensus splice site for this exon. This variant is not present in population databases (ExAC no frequency). This variant has not been reported in the literature in individuals with CTNNA1-related conditions.

Literature cited by the submitters: PubMed 17576681; PubMed 9536098.